The following is an entry in ClinVar:

ClinVar aggregate classification (germline): Likely benign (1 of 4 stars; one submission).

Submission:

CeGaT Center for Human Genetics Tuebingen
Classification: Likely benign. Last evaluated: 2026-01-01. Review status: criteria provided, single submitter. Criteria: CeGaT Center For Human Genetics Tuebingen Variant Classification Criteria Version 2. Collection method: clinical testing. Allele origin: germline. Affected: yes. Observed: 4 variant alleles.
Comment: MUC4: BP4, BP7

NM_018406.7(MUC4):c.4140C>T (p.Thr1380=)

Gene: MUC4 (mucin 4, cell surface associated). Cytogenetic location: 3q29.
Variant type: single nucleotide variant.
Coding change: c.4140C>T on transcript NM_018406.7 (MANE Select); coding-DNA position 4140, C replaced by T.
Protein change: p.Thr1380=; no amino-acid change (threonine 1380 retained).
Molecular consequence: synonymous variant. On other transcripts: intron variant (2).
Genome position (GRCh38, 1-based): chr3:195,787,440, G>A on the plus strand (C>T on the coding strand, the complement: MUC4 is on the minus strand). VCF-style: chr3-195787440-G-A. GRCh37 (hg19) VCF-style: chr3-195514311-G-A.
Other names: c.83-13135C>T (NM_138297.5); c.83-8985C>T (NM_004532.6).
Identifiers: ClinVar variation 3388381 (VCV003388381.14).